The following is an entry in ClinVar:

ClinVar aggregate classification (germline): Uncertain significance (1 of 4 stars; one submission).

gnomAD v4.1: 189 of 1,590,606 alleles (0.012%); highest among the groups gnomAD compares: Non-Finnish European, 0.015%; no homozygotes.

Submission:

CeGaT Center for Human Genetics Tuebingen
Classification: Uncertain significance. Last evaluated: 2026-08-01. Review status: criteria provided, single submitter. Criteria: CeGaT Center For Human Genetics Tuebingen Variant Classification Criteria Version 2. Collection method: clinical testing. Allele origin: germline. Affected: yes. Observed: 1 variant allele.
Comment: F12: PM2, PP3

NM_000505.4(F12):c.800G>A (p.Arg267Gln)

Gene: F12 (coagulation factor XII; minus strand). Cytogenetic location: 5q35.3.
Variant type: single nucleotide variant.
Coding change: c.800G>A on transcript NM_000505.4 (MANE Select); coding-DNA position 800, G replaced by A.
Protein change: p.Arg267Gln; replaces arginine 267 with glutamine.
Molecular consequence: missense variant.
Genome position (GRCh38, 1-based): chr5:177,404,499, C>T on the plus strand (G>A on the coding strand, the complement: F12 is on the minus strand). VCF-style: chr5-177404499-C-T. GRCh37 (hg19) VCF-style: chr5-176831500-C-T.
Other names: short protein forms R267Q.
Identifiers: ClinVar variation 5039419 (VCV005039419.1).